The following is an entry in ClinVar:

ClinVar aggregate classification (germline): Uncertain significance. Review status: criteria provided, multiple submitters, no conflicts (2 of 4 stars). 2 submissions from 2 submitters: Uncertain significance (2). Last evaluated 2026-02-25.

Conditions:
Charcot-Marie-Tooth disease type 4. Also called: Charcot-Marie-Tooth, Type 4; Charcot-Marie-Tooth disease, type IV. Identifiers: Orphanet 64749, MedGen C4082197, MONDO:0018995.
FGD4-related disorder. Also called: FGD4-related condition.

Allele frequency attached by ClinVar (database versions not stated): gnomAD exomes 0.00001.
gnomAD v4.1: 7 of 1,614,142 alleles (0.00043%); highest among the groups gnomAD compares: Admixed American, 0.0017%; no homozygotes.

Submissions (2):

PreventionGenetics, part of Exact Sciences
Classification: Uncertain significance for FGD4-related condition. Last evaluated: 2026-02-25. Review status: criteria provided, single submitter. Criteria: ACMG Guidelines, 2015. Collection method: clinical testing. Allele origin: germline.
Comment: The FGD4 c.2180T>A variant is predicted to result in the amino acid substitution p.Leu727Gln. To our knowledge, this variant has not been reported in the literature or in a large population database (gnomAD), indicating this variant is rare. At this time, the clinical significance of this variant is uncertain due to the absence of conclusive functional and genetic evidence.

Labcorp Genetics (formerly Invitae), Labcorp
Classification: Uncertain significance for Charcot-Marie-Tooth disease type 4. Last evaluated: 2022-02-21. Review status: criteria provided, single submitter. Criteria: Invitae Variant Classification Sherloc (09022015). Collection method: clinical testing. Allele origin: germline.
Comment: This sequence change replaces leucine, which is neutral and non-polar, with glutamine, which is neutral and polar, at codon 727 of the FGD4 protein (p.Leu727Gln). This variant is not present in population databases (gnomAD no frequency). This variant has not been reported in the literature in individuals affected with FGD4-related conditions. ClinVar contains an entry for this variant (Variation ID: 653435). Algorithms developed to predict the effect of missense changes on protein structure and function are either unavailable or do not agree on the potential impact of this missense change (SIFT: "Deleterious"; PolyPhen-2: "Benign"; Align-GVGD: "Class C65"). In summary, the available evidence is currently insufficient to determine the role of this variant in disease. Therefore, it has been classified as a Variant of Uncertain Significance.

NM_001370298.3(FGD4):c.2591T>A (p.Leu864Gln)

Gene: FGD4 (FYVE, RhoGEF and PH domain containing 4; plus strand). Cytogenetic location: 12p11.21.
Variant type: single nucleotide variant.
Coding change: c.2591T>A on transcript NM_001370298.3 (MANE Select); coding-DNA position 2591, T replaced by A.
Protein change: p.Leu864Gln; replaces leucine 864 with glutamine.
Molecular consequence: missense variant.
Genome position (GRCh38, 1-based): chr12:32,640,412, T>A. VCF-style: chr12-32640412-T-A. GRCh37 (hg19) VCF-style: chr12-32793346-T-A.
Other names: c.2435T>A, p.Leu812Gln (NM_001304481.2); c.1148T>A, p.Leu383Gln (NM_001304484.2); c.1901T>A, p.Leu634Gln (NM_001330373.2, NM_001330374.2, NM_001384130.1); c.1628T>A, p.Leu543Gln (NM_001370297.1); c.2591T>A, p.Leu864Gln (NM_001384126.1); c.2180T>A, p.Leu727Gln (NM_001384127.1, NM_001384128.1, NM_001385118.1 and 1 more transcripts); short protein forms L383Q, L543Q, L634Q, L812Q, L727Q, L864Q.
Identifiers: ClinVar variation 653435 (VCV000653435.7), dbSNP rs1592515619, ClinGen allele CA384372534.
Genomic context (GRCh38, chr12:32,640,412, plus strand): 5'-ACAGTTTCAAACTGACCCAGTCTAAGTCCGTGCACAGCTTTGCTGCAGACAGTGAGGAAC[T>A]GAAGCAGAAGTGGCTGAAAGTCATCCTTTTAGCTGTCACAGGTGAGACACCAGGTGGTCC-3'
Protein context (NP_001357227.2, residues 854-874): VHSFAADSEE[Leu864Gln]KQKWLKVILL